The following is an entry in ClinVar:

ClinVar aggregate classification (germline): Benign/Likely benign. Review status: criteria provided, multiple submitters, no conflicts (2 of 4 stars). 3 submissions from 3 submitters: Benign (1); Likely benign (2). Last evaluated 2018-10-01.

Conditions:
Progressive sclerosing poliodystrophy (MTDPS4A). Also called: Alpers-Huttenlocher Syndrome (AHS); Alpers Syndrome; ALPERS PROGRESSIVE INFANTILE POLIODYSTROPHY; Mitochondrial DNA depletion syndrome 4A (Alpers type); ALPERS DIFFUSE DEGENERATION OF CEREBRAL GRAY MATTER WITH HEPATIC CIRRHOSIS; Alpers-Huttenlocher Syndrome. Identifiers: Orphanet 726, MedGen C0205710, MONDO:0008758, OMIM 203700.

Allele frequency attached by ClinVar (database versions not stated): gnomAD 0.05599 and 0.05603; TOPMed 0.05663; 1000 Genomes Project 0.05691; 1000 Genomes Project 30x 0.05934; gnomAD exomes 0.06680.
gnomAD v4.1: 92,150 of 1,406,690 alleles (6.6%); highest among the groups gnomAD compares: South Asian, 7.6%; 3,291 homozygotes.

Submissions (3):

Wong Mito Lab, Molecular and Human Genetics, Baylor College of Medicine
Classification: Likely benign for Progressive sclerosing poliodystrophy. Last evaluated: 2018-10-01. Review status: criteria provided, single submitter. Criteria: ACMG Guidelines, 2015. Collection method: clinical testing. Allele origin: germline.
Comment: The NM_002693.2:c.2266-76T>C (NP_002684.1:p.=) [GRCH38: NC_000015.10:g.89322978A>G] variant in POLG gene is interpretated to be a Likely Benign based on ACMG guidelines (PMID: 25741868). This variant meets the following evidence codes reported in the ACMG-guideline. BP4:Computational evidence/predictors indicate no impact on the POLG structure, function, or protein-protein interaction. BP6:Reputable source(s) without shared data suggest the variant is benign. Based on the evidence criteria codes applied, the variant is suggested to be Likely Benign.

GeneDx
Classification: Benign. Last evaluated: 2015-03-03. Review status: criteria provided, single submitter. Criteria: GeneDx Variant Classification Process June 2021. Collection method: clinical testing. Allele origin: germline. Affected: yes.

Breakthrough Genomics
Classification: Likely benign. Review status: criteria provided, single submitter. Criteria: ACMG Guidelines, 2015. Collection method: not provided. Allele origin: germline. Inheritance: Autosomal recessive inheritance. Affected: yes.

NM_002693.3(POLG):c.2266-76T>C

Gene: POLG (DNA polymerase gamma, catalytic subunit; minus strand). Cytogenetic location: 15q26.1.
Variant type: single nucleotide variant.
Coding change: c.2266-76T>C on transcript NM_002693.3 (MANE Select); 76 bases into the intron before coding-DNA position 2266, T replaced by C.
Molecular consequence: intron variant.
Genome position (GRCh38, 1-based): chr15:89,322,978, A>G on the plus strand (T>C on the coding strand, the complement: POLG is on the minus strand). VCF-style: chr15-89322978-A-G. GRCh37 (hg19) VCF-style: chr15-89866209-A-G.
Other names: c.2266-76T>C (NM_001126131.2).
Identifiers: ClinVar variation 619391 (VCV000619391.4), dbSNP rs3176203, ClinGen allele CA10602317.
Genomic context (GRCh38, chr15:89,322,978, plus strand): 5'-GAAGCAGGGGCTGGAGGCAGGTGGCAGACCCCTGGGTGGGGAACCAACGTGAGTACCTGC[A>G]CTCCTCCCAACACTGAGCCCAGAACCTCAGCAGTCTGAGGCAAATCCCTGATTGTATCAC-3'